The following is an entry in ClinVar:

NM_014874.4(MFN2):c.796G>A (p.Glu266Lys)

Gene: MFN2 (mitofusin 2; plus strand). Cytogenetic location: 1p36.22.
Variant type: single nucleotide variant.
Coding change: c.796G>A on transcript NM_014874.4 (MANE Select); coding-DNA position 796, G replaced by A.
Protein change: p.Glu266Lys; replaces glutamic acid 266 with lysine.
Molecular consequence: missense variant.
Genome position (GRCh38, 1-based): chr1:11,999,075, G>A. VCF-style: chr1-11999075-G-A. GRCh37 (hg19) VCF-style: chr1-12059132-G-A.
Other names: c.796G>A, p.Glu266Lys (NM_001127660.2); short protein forms E266K.
Identifiers: ClinVar variation 917372 (VCV000917372.8), dbSNP rs1569844113, ClinGen allele CA338439402.
Genomic context (GRCh38, chr1:11,999,075, plus strand): 5'-GAGCGTCTCTCCCGGCCAAACATCTTCATCCTGAACAACCGCTGGGATGCATCTGCCTCA[G>A]AGCCCGAGTACATGGAGGAGGTTCGTGCTTCTGTTTGGCAGTTTGGGGAATGCAACCCCG-3'
Protein context (NP_055689.1, residues 256-276): LNNRWDASAS[Glu266Lys]PEYMEEVRRQ

ClinVar aggregate classification (germline): Uncertain significance. Review status: criteria provided, multiple submitters, no conflicts (2 of 4 stars). 4 submissions from 4 submitters: Uncertain significance (4). Last evaluated 2024-10-31.

Conditions:
Inborn genetic diseases. Identifiers: MedGen C0950123, MeSH D030342.
Charcot-Marie-Tooth disease. Also called: Charcot-Marie-Tooth Hereditary Neuropathy; Charcot-Marie-Tooth Neuropathy. Identifiers: Orphanet 166, MedGen C0007959, MONDO:0015626.
Charcot-Marie-Tooth disease type 2. Also called: Charcot-Marie-Tooth type 2. Identifiers: Orphanet 64746, MedGen C0270914, MONDO:0018993.

Submissions (4):

GeneDx
Classification: Uncertain significance. Last evaluated: 2024-10-31. Review status: criteria provided, single submitter. Criteria: GeneDx Variant Classification Process June 2021. Collection method: clinical testing. Allele origin: germline. Affected: yes.
Comment: Reported previously as a variant of uncertain significance in a patient with suspected CMT; however, no further clinical or segregation information was provided (PMID: 32376792); Not observed at significant frequency in large population cohorts (gnomAD); In silico analysis supports that this missense variant has a deleterious effect on protein structure/function; This variant is associated with the following publications: (PMID: 24863639, 32376792)

Labcorp Genetics (formerly Invitae), Labcorp
Classification: Uncertain significance for Charcot-Marie-Tooth disease type 2. Last evaluated: 2021-12-17. Review status: criteria provided, single submitter. Criteria: Invitae Variant Classification Sherloc (09022015). Collection method: clinical testing. Allele origin: germline.
Comment: In summary, the available evidence is currently insufficient to determine the role of this variant in disease. Therefore, it has been classified as a Variant of Uncertain Significance. Advanced modeling of protein sequence and biophysical properties (such as structural, functional, and spatial information, amino acid conservation, physicochemical variation, residue mobility, and thermodynamic stability) performed at Invitae indicates that this missense variant is expected to disrupt MFN2 protein function. ClinVar contains an entry for this variant (Variation ID: 917372). This missense change has been observed in individual(s) with clinical features of Charcot-Marie-Tooth disease (PMID: 32376792). This variant is not present in population databases (gnomAD no frequency). This sequence change replaces glutamic acid, which is acidic and polar, with lysine, which is basic and polar, at codon 266 of the MFN2 protein (p.Glu266Lys).

Ambry Genetics
Classification: Uncertain significance for Inborn genetic diseases. Last evaluated: 2020-09-10. Review status: criteria provided, single submitter. Criteria: Ambry Variant Classification Scheme 2023. Collection method: clinical testing. Allele origin: germline.
Comment: The p.E266K variant (also known as c.796G>A), located in coding exon 6 of the MFN2 gene, results from a G to A substitution at nucleotide position 796. The glutamic acid at codon 266 is replaced by lysine, an amino acid with similar properties. This amino acid position is highly conserved in available vertebrate species. In addition, this alteration is predicted to be deleterious by in silico analysis. Since supporting evidence is limited at this time, the clinical significance of this alteration remains unclear.

Molecular Genetics Laboratory, London Health Sciences Centre
Classification: Uncertain significance for Charcot-Marie-Tooth disease. Review status: criteria provided, single submitter. Criteria: ACMG Guidelines, 2015. Collection method: clinical testing. Allele origin: germline. Affected: yes.

Literature cited by the submitters: PubMed 32376792 (cited by Labcorp Genetics (formerly Invitae), Labcorp).